The following is an entry in ClinVar:

NM_181507.2(HPS5):c.986-5C>T

Gene: HPS5 (HPS5 biogenesis of lysosomal organelles complex 2 subunit 2; minus strand). Cytogenetic location: 11p15.1.
Variant type: single nucleotide variant.
Coding change: c.986-5C>T on transcript NM_181507.2 (MANE Select); 5 bases into the intron before coding-DNA position 986, C replaced by T.
Molecular consequence: intron variant.
Genome position (GRCh38, 1-based): chr11:18,298,975, G>A on the plus strand (C>T on the coding strand, the complement: HPS5 is on the minus strand). VCF-style: chr11-18298975-G-A. GRCh37 (hg19) VCF-style: chr11-18320522-G-A.
Other names: c.572-5C>T (NM_001440929.1, NM_001440928.1, NM_001440927.1); c.644-5C>T (NM_181508.2, NM_001440921.1, NM_001440926.1 and 7 more transcripts); c.875-5C>T (NM_001440915.1, NM_001440914.1, NM_001440913.1); c.986-5C>T (NM_001440931.1, NM_001440917.1, NM_001440906.1 and 5 more transcripts); c.911-5C>T (NM_001440907.1, NM_001440909.1, NM_001440908.1); c.773-5C>T (NM_001440919.1); c.800-5C>T (NM_001440918.1).
Identifiers: ClinVar variation 262990 (VCV000262990.16), dbSNP rs201439984, ClinGen allele CA5910259.

ClinVar aggregate classification (germline): Conflicting classifications of pathogenicity. Review status: criteria provided, conflicting classifications (1 of 4 stars). 4 submissions from 4 submitters: Uncertain significance (1); Benign (2); Likely benign (1). Last evaluated 2026-01-30.

Conditions:
HPS5-related disorder. Also called: HPS5-related condition.
Hermansky-Pudlak syndrome 5 (HPS5). Identifiers: Orphanet 231512, Orphanet 79430, MedGen C3888004, MONDO:0013557, OMIM 614074.

Allele frequency attached by ClinVar (database versions not stated): gnomAD 0.00036 and 0.00044; TOPMed 0.00045; 1000 Genomes Project 30x 0.00062; ESP Exome Variant Server 0.00062; ExAC 0.00073; 1000 Genomes Project 0.00080.
gnomAD v4.1: 688 of 1,613,894 alleles (0.043%); highest among the groups gnomAD compares: South Asian, 0.14%; 2 homozygotes.

Submissions (4):

Labcorp Genetics (formerly Invitae), Labcorp
Classification: Benign. Last evaluated: 2026-01-30. Review status: criteria provided, single submitter. Criteria: Invitae Variant Classification Sherloc (09022015). Collection method: clinical testing. Allele origin: germline.

PreventionGenetics, part of Exact Sciences
Classification: Benign for HPS5-related condition. Last evaluated: 2025-12-09. Review status: criteria provided, single submitter. Criteria: ACMG Guidelines, 2015. Collection method: clinical testing. Allele origin: germline.
Comment: This variant is classified as benign based on ACMG/AMP sequence variant interpretation guidelines (Richards et al. 2015 PMID: 25741868, with internal and published modifications).

Blueprint Genetics
Classification: Likely benign. Last evaluated: 2024-11-05. Review status: criteria provided, single submitter. Criteria: ACMG Guidelines, 2015. Collection method: clinical testing. Allele origin: germline.

Illumina Laboratory Services, Illumina
Classification: Uncertain significance for Hermansky-Pudlak syndrome 5. Last evaluated: 2018-01-12. Review status: criteria provided, single submitter. Criteria: ICSL Variant Classification Criteria 13 December 2019. Collection method: clinical testing. Allele origin: germline.